The following is an entry in ClinVar:

ClinVar aggregate classification (germline): Uncertain significance (1 of 4 stars; one submission).

Conditions:
Neurodevelopmental disorder. Identifiers: MedGen C1535926, MeSH D065886, MONDO:0700092.

gnomAD v4.1: 14 of 1,210,928 alleles (0.0012%); highest among the groups gnomAD compares: Middle Eastern, 0.023%; no homozygotes.

Submission:

Broad Center for Mendelian Genomics, Broad Institute of MIT and Harvard
Classification: Uncertain significance for Neurodevelopmental disorder. Last evaluated: 2026-03-02. Review status: criteria provided, single submitter. Criteria: ACMG Guidelines, 2015. Collection method: research. Allele origin: germline. Inheritance: X-linked inheritance.
Comment: The p.Pro684Leu variant in MAP3K15 has not been previously reported in the literature in individuals with neurodevelopmental disorders, and was absent from large population studies. Computational prediction tools and conservation analyses do not provide strong support for or against an impact to the protein. While variants in the MAP3K15 gene have been reported in individuals with neurodevelopmental disorders, this association has not been definitively established. In summary, given the limited information about this gene-disease relationship, the significance of the p.Pro684Leu variant is uncertain.

NM_001001671.4(MAP3K15):c.2051C>T (p.Pro684Leu)

Gene: MAP3K15 (mitogen-activated protein kinase kinase kinase 15; minus strand). Cytogenetic location: Xp22.12.
Variant type: single nucleotide variant.
Coding change: c.2051C>T on transcript NM_001001671.4 (MANE Select); coding-DNA position 2051, C replaced by T.
Protein change: p.Pro684Leu; replaces proline 684 with leucine.
Molecular consequence: missense variant.
Genome position (GRCh38, 1-based): chrX:19,398,241, G>A on the plus strand (C>T on the coding strand, the complement: MAP3K15 is on the minus strand). VCF-style: chrX-19398241-G-A. GRCh37 (hg19) VCF-style: chrX-19416359-G-A.
Other names: NM_001001671.4:c.2051C>T; short protein forms P684L.
Identifiers: ClinVar variation 4819483 (VCV004819483.1).